The following is an entry in ClinVar:

NM_016203.4(PRKAG2):c.-90G>T

Gene: PRKAG2 (protein kinase AMP-activated non-catalytic subunit gamma 2; minus strand). Cytogenetic location: 7q36.1.
Variant type: single nucleotide variant.
Coding change: c.-90G>T on transcript NM_016203.4 (MANE Select); 90 bases upstream of the start codon, G replaced by T.
Molecular consequence: 5 prime UTR variant.
Genome position (GRCh38, 1-based): chr7:151,876,710, C>A on the plus strand (G>T on the coding strand, the complement: PRKAG2 is on the minus strand). VCF-style: chr7-151876710-C-A. GRCh37 (hg19) VCF-style: chr7-151573795-C-A.
Identifiers: ClinVar variation 359354 (VCV000359354.8), dbSNP rs76351165, ClinGen allele CA10625540.
Genomic context (GRCh38, chr7:151,876,710, plus strand): 5'-CTCCTCGGGGGTTCGGTCCCCTCCTTCCCTCCCCCGGCCGCTGCCTTCGGACTGGAGCCG[C>A]GCGCTCTGTTACACCCTGAAGCCACCTCGTGGGGACTTCCGCGGAGAGGGAGGGTGAGCA-3'

ClinVar aggregate classification (germline): Benign/Likely benign. Review status: criteria provided, multiple submitters, no conflicts (2 of 4 stars). 4 submissions from 3 submitters: Benign (2); Likely benign (2). Last evaluated 2018-01-13.

Conditions:
Hypertrophic cardiomyopathy 6. Identifiers: MedGen C1833236, MONDO:0010946, OMIM 600858.
Wolff-Parkinson-White pattern. Also called: WPW SYNDROME; Auriculoventricular accessory pathway syndrome; False bundle branch block syndrome; Anomalous ventricular excitation syndrome. Identifiers: MedGen C0043202, MONDO:0008685, OMIM 194200, HP:0001716.

Allele frequency attached by ClinVar (database versions not stated): 1000 Genomes Project 30x 0.03123; 1000 Genomes Project 0.03275; TOPMed 0.04694; gnomAD 0.04865 and 0.05040.
gnomAD v4.1: 66,853 of 1,284,156 alleles (5.2%); highest among the groups gnomAD compares: Non-Finnish European, 6%; 2,033 homozygotes.

Submissions (4):

Illumina Laboratory Services, Illumina
Classification: Likely benign for Hypertrophic cardiomyopathy 6. Last evaluated: 2018-01-13. Review status: criteria provided, single submitter. Criteria: ICSL Variant Classification Criteria 13 December 2019. Collection method: clinical testing. Allele origin: germline.
Comment: This variant was observed in the ICSL laboratory as part of a predisposition screen in an ostensibly healthy population. It had not been previously curated by ICSL or reported in the Human Gene Mutation Database (HGMD: prior to June 1st, 2018), and was therefore a candidate for classification through an automated scoring system. Utilizing variant allele frequency, disease prevalence and penetrance estimates, and inheritance mode, an automated score was calculated to assess if this variant is too frequent to cause the disease. Based on the score and internal cut-off values, a variant classified as likely benign is not then subjected to further curation. The score for this variant resulted in a classification of likely benign for this disease.

Illumina Laboratory Services, Illumina
Classification: Benign for Wolff-Parkinson-White pattern. Last evaluated: 2018-01-13. Review status: criteria provided, single submitter. Criteria: ICSL Variant Classification Criteria 13 December 2019. Collection method: clinical testing. Allele origin: germline.
Comment: This variant was observed in the ICSL laboratory as part of a predisposition screen in an ostensibly healthy population. It had not been previously curated by ICSL or reported in the Human Gene Mutation Database (HGMD: prior to June 1st, 2018), and was therefore a candidate for classification through an automated scoring system. Utilizing variant allele frequency, disease prevalence and penetrance estimates, and inheritance mode, an automated score was calculated to assess if this variant is too frequent to cause the disease. Based on the score and internal cut-off values, a variant classified as benign is not then subjected to further curation. The score for this variant resulted in a classification of benign for this disease.

GeneDx
Classification: Benign. Last evaluated: 2015-03-03. Review status: criteria provided, single submitter. Criteria: GeneDx Variant Classification Process June 2021. Collection method: clinical testing. Allele origin: germline. Affected: yes.

Breakthrough Genomics
Classification: Likely benign. Review status: criteria provided, single submitter. Criteria: ACMG Guidelines, 2015. Collection method: not provided. Allele origin: germline. Inheritance: Autosomal dominant inheritance. Affected: yes.